The following is an entry in ClinVar:

NM_020779.4(WDR35):c.1400+3A>G

Gene: WDR35 (WD repeat domain 35; minus strand). Cytogenetic location: 2p24.1.
Variant type: single nucleotide variant.
Coding change: c.1400+3A>G on transcript NM_020779.4 (MANE Select); 3 bases into the intron after coding-DNA position 1400, A replaced by G.
Molecular consequence: intron variant.
Genome position (GRCh38, 1-based): chr2:19,953,831, T>C on the plus strand (A>G on the coding strand, the complement: WDR35 is on the minus strand). VCF-style: chr2-19953831-T-C. GRCh37 (hg19) VCF-style: chr2-20153592-T-C.
Other names: c.1433+3A>G (NM_001006657.2).
Identifiers: ClinVar variation 446643 (VCV000446643.3), dbSNP rs776631281, ClinGen allele CA1543244.

ClinVar aggregate classification (germline): Likely pathogenic. Review status: criteria provided, single submitter (1 of 4 stars). 3 submissions from 3 submitters: Likely pathogenic (1). 2 of the submissions do not count toward it.

Conditions:
Jeune thoracic dystrophy. Also called: Short-rib thoracic dysplasia; Jeune syndrome; Infantile thoracic dystrophy; Thoracic pelvic phalangeal dystrophy; Jeune's syndrome; Chondroectodermal dysplasia-like syndrome. Identifiers: Orphanet 474, MedGen C0265275, MONDO:0018770.
Cranioectodermal dysplasia 2 (CED2). Identifiers: Orphanet 1515, MedGen C3150874, MONDO:0013323, OMIM 613610.
Short-rib thoracic dysplasia 7 with or without polydactyly (SRTD7). Also called: Short rib polydactyly syndrome 5; SHORT-RIB THORACIC DYSPLASIA 7 WITH POLYDACTYLY. Identifiers: Orphanet 498497, Orphanet 93271, MedGen C3279792, MONDO:0013569, OMIM 614091.

Allele frequency attached by ClinVar (database versions not stated): gnomAD 0.00001; gnomAD exomes 0.00001; ExAC 0.00002.
gnomAD v4.1: 10 of 1,613,944 alleles (0.00062%); highest among the groups gnomAD compares: Non-Finnish European, 0.00085%; no homozygotes.

Submissions (3):

Juno Genomics, Hangzhou Juno Genomics, Inc
Classification: Likely pathogenic for Cranioectodermal dysplasia 2; Short-rib thoracic dysplasia 7 with or without polydactyly. Review status: criteria provided, single submitter. Criteria: ACMG Guidelines, 2015. Collection method: clinical testing. Allele origin: germline. Affected: yes.
Comment: Absent from controls (or at extremely low frequency if recessive) in Genome Aggregation Database, Exome Sequencing Project, 1000 Genomes Project, or Exome Aggregation Consortium.;Multiple lines of computational evidence support a deleterious effect on the gene or gene product (conservation, evolutionary, splicing impact, etc).;For recessive disorders, detected in trans with a pathogenic variant.;Patient's phenotype or family history is highly specific for a disease with a single genetic etiology.

Dan Cohn Lab, University Of California Los Angeles
Classification: Pathogenic for Asphyxiating thoracic dystrophy. Last evaluated: 2017-06-01. Review status: no assertion criteria provided. Collection method: research. Allele origin: paternal. Affected: yes. Not counted in ClinVar's aggregate classification.

University of Washington Center for Mendelian Genomics, University of Washington
Classification: Likely pathogenic for asphyxiating thoracic dystrophy. Review status: no assertion criteria provided. Collection method: research. Allele origin: inherited. Affected: yes. Not counted in ClinVar's aggregate classification.

Literature cited by the submitters: PubMed 29068549 (cited by Dan Cohn Lab, University Of California Los Angeles and University of Washington Center for Mendelian Genomics, University of Washington).